The following is an entry in ClinVar:

NM_001365536.1(SCN9A):c.3076C>A (p.Gln1026Lys)

Genes: SCN1A-AS1 (SCN1A and SCN9A antisense RNA 1; plus strand), SCN9A (sodium voltage-gated channel alpha subunit 9; minus strand). Cytogenetic location: 2q24.3.
Variant type: single nucleotide variant.
Coding change: c.3076C>A on transcript NM_001365536.1 (MANE Select); coding-DNA position 3076, C replaced by A.
Protein change: p.Gln1026Lys; replaces glutamine 1026 with lysine.
Molecular consequence: missense variant.
Genome position (GRCh38, 1-based): chr2:166,272,674, G>T on the plus strand (C>A on the coding strand, the complement: SCN9A is on the minus strand). VCF-style: chr2-166272674-G-T. GRCh37 (hg19) VCF-style: chr2-167129184-G-T.
Other names: c.3043C>A, p.Gln1015Lys (NM_002977.4); short protein forms Q1015K, Q1026K.
Identifiers: ClinVar variation 1520630 (VCV001520630.8), dbSNP rs1305266156, ClinGen allele CA349074032.

ClinVar aggregate classification (germline): Uncertain significance. Review status: criteria provided, multiple submitters, no conflicts (2 of 4 stars). 2 submissions from 2 submitters: Uncertain significance (2). Last evaluated 2023-05-22.

Conditions:
Inborn genetic diseases. Identifiers: MedGen C0950123, MeSH D030342.
Neuropathy, hereditary sensory and autonomic, type 2A (HSAN2A). Also called: HSAN IIA; WNK1-Related HSAN2 (HSAN2A); MORVAN DISEASE; NEUROPATHY, CONGENITAL SENSORY; NEUROPATHY, HEREDITARY SENSORY RADICULAR, AUTOSOMAL RECESSIVE; NEUROPATHY, HEREDITARY SENSORY, TYPE IIA. Identifiers: Orphanet 970, MedGen C2752089, MONDO:0024309, OMIM 201300.
Generalized epilepsy with febrile seizures plus, type 7 (GEFSP7). Also called: GEFS+, TYPE 7. Identifiers: Orphanet 36387, MedGen C2751778, MONDO:0013470, OMIM 613863.

Allele frequency attached by ClinVar (database versions not stated): gnomAD exomes below 0.00001.
gnomAD v4.1: 2 of 1,609,832 alleles (0.00012%); highest among the groups gnomAD compares: Non-Finnish European, 0.000085%; no homozygotes.

Submissions (2):

Labcorp Genetics (formerly Invitae), Labcorp
Classification: Uncertain significance for Neuropathy, hereditary sensory and autonomic, type 2A; Generalized epilepsy with febrile seizures plus, type 7. Last evaluated: 2023-05-22. Review status: criteria provided, single submitter. Criteria: Invitae Variant Classification Sherloc (09022015). Collection method: clinical testing. Allele origin: germline.
Comment: ClinVar contains an entry for this variant (Variation ID: 1520630). This variant has not been reported in the literature in individuals affected with SCN9A-related conditions. This variant is present in population databases (no rsID available, gnomAD 0.0009%). This sequence change replaces glutamine, which is neutral and polar, with lysine, which is basic and polar, at codon 1015 of the SCN9A protein (p.Gln1015Lys). In summary, the available evidence is currently insufficient to determine the role of this variant in disease. Therefore, it has been classified as a Variant of Uncertain Significance. Advanced modeling of protein sequence and biophysical properties (such as structural, functional, and spatial information, amino acid conservation, physicochemical variation, residue mobility, and thermodynamic stability) performed at Invitae indicates that this missense variant is not expected to disrupt SCN9A protein function.

Ambry Genetics
Classification: Uncertain significance for Inborn genetic diseases. Last evaluated: 2021-05-10. Review status: criteria provided, single submitter. Criteria: Ambry Variant Classification Scheme 2023. Collection method: clinical testing. Allele origin: germline.
Comment: The p.Q1015K variant (also known as c.3043C>A), located in coding exon 16 of the SCN9A gene, results from a C to A substitution at nucleotide position 3043. The glutamine at codon 1015 is replaced by lysine, an amino acid with similar properties. This amino acid position is not well conserved in available vertebrate species. In addition, this alteration is predicted to be tolerated by in silico analysis. Since supporting evidence is limited at this time, the clinical significance of this alteration remains unclear.